The following is an entry in ClinVar:

ClinVar aggregate classification (germline): Uncertain significance. Review status: criteria provided, multiple submitters, no conflicts (2 of 4 stars). 2 submissions from 2 submitters: Uncertain significance (2). Last evaluated 2023-12-30.

Conditions:
Amelocerebrohypohidrotic syndrome (KTZS). Also called: KOHLSCHUTTER SYNDROME; EPILEPSY AND YELLOW TEETH; EPILEPSY, DEMENTIA, AND AMELOGENESIS IMPERFECTA; Kohlschutter's syndrome. Identifiers: Orphanet 1946, MedGen C0406740, MONDO:0009185, OMIM 226750.
Inborn genetic diseases. Identifiers: MedGen C0950123, MeSH D030342.

Allele frequency attached by ClinVar (database versions not stated): TOPMed 0.00002; ExAC 0.00003; gnomAD 0.00003.
gnomAD v4.1: 81 of 1,613,800 alleles (0.005%); highest among the groups gnomAD compares: Non-Finnish European, 0.0064%; no homozygotes.

Submissions (2):

Ambry Genetics
Classification: Uncertain significance for Inborn genetic diseases. Last evaluated: 2023-12-30. Review status: criteria provided, single submitter. Criteria: Ambry Variant Classification Scheme 2023. Collection method: clinical testing. Allele origin: germline.

Labcorp Genetics (formerly Invitae), Labcorp
Classification: Uncertain significance for Amelocerebrohypohidrotic syndrome. Last evaluated: 2023-05-26. Review status: criteria provided, single submitter. Criteria: Invitae Variant Classification Sherloc (09022015). Collection method: clinical testing. Allele origin: germline.
Comment: In summary, the available evidence is currently insufficient to determine the role of this variant in disease. Therefore, it has been classified as a Variant of Uncertain Significance. An algorithm developed to predict the effect of missense changes on protein structure and function (PolyPhen-2) suggests that this variant is likely to be disruptive. ClinVar contains an entry for this variant (Variation ID: 1041846). This variant has not been reported in the literature in individuals affected with ROGDI-related conditions. This variant is present in population databases (rs773589345, gnomAD 0.005%). This sequence change replaces aspartic acid, which is acidic and polar, with asparagine, which is neutral and polar, at codon 187 of the ROGDI protein (p.Asp187Asn).

NM_024589.3(ROGDI):c.559G>A (p.Asp187Asn)

Gene: ROGDI (rogdi atypical leucine zipper; minus strand). Cytogenetic location: 16p13.3.
Variant type: single nucleotide variant.
Coding change: c.559G>A on transcript NM_024589.3 (MANE Select); coding-DNA position 559, G replaced by A.
Protein change: p.Asp187Asn; replaces aspartic acid 187 with asparagine.
Molecular consequence: missense variant. On other transcripts: non-coding transcript variant (1).
Genome position (GRCh38, 1-based): chr16:4,798,157, C>T on the plus strand (G>A on the coding strand, the complement: ROGDI is on the minus strand). VCF-style: chr16-4798157-C-T. GRCh37 (hg19) VCF-style: chr16-4848158-C-T.
Other names: c.559G>A (NM_024589.1); short protein forms D187N.
Identifiers: ClinVar variation 1041846 (VCV001041846.7), dbSNP rs773589345, ClinGen allele CA7882638.
Genomic context (GRCh38, chr16:4,798,157, plus strand): 5'-GCAGCTGGTACACCGTGAGGCAGAGCTTGTTGAGGTTGATGTAGACGTTGACCAGCAGGT[C>T]GGACGGCAGGGCAGGGGCGAACATCCGCTGCGGGAGGCAGGTGGGATGAGGCCCTCGCAA-3'
Protein context (NP_078865.1, residues 177-197): TRMFAPALPS[Asp187Asn]LLVNVYINLN